The following is an entry in ClinVar:

ClinVar aggregate classification (germline): Uncertain significance. Review status: criteria provided, multiple submitters, no conflicts (2 of 4 stars). 2 submissions from 2 submitters: Uncertain significance (2). Last evaluated 2025-06-16.

Conditions:
Hereditary cancer-predisposing syndrome. Also called: Tumor predisposition; Hereditary neoplastic syndrome; Hereditary Cancer Syndrome; Neoplastic Syndromes, Hereditary. Identifiers: Orphanet 140162, MedGen C0027672, MeSH D009386, MONDO:0015356.
Hereditary breast ovarian cancer syndrome. Also called: Hereditary breast and ovarian cancer; Hereditary breast and ovarian cancer syndrome (HBOC); Breast and ovarian cancer; Hereditary breast and/or ovarian cancer syndrome; Hereditary breast and ovarian cancer syndrome; BRCA1- and BRCA2-Associated Hereditary Breast and Ovarian Cancer. Identifiers: Orphanet 145, MedGen C0677776, MeSH D061325, MONDO:0003582. Disease mechanism: loss of function.

Submissions (2):

Ambry Genetics
Classification: Uncertain significance for Hereditary cancer-predisposing syndrome. Last evaluated: 2025-06-16. Review status: criteria provided, single submitter. Criteria: Ambry Variant Classification Scheme 2023. Collection method: clinical testing. Allele origin: germline.
Comment: The p.F2841L variant (also known as c.8521T>C), located in coding exon 19 of the BRCA2 gene, results from a T to C substitution at nucleotide position 8521. The phenylalanine at codon 2841 is replaced by leucine, an amino acid with highly similar properties. Two saturation genome editing-based studies, including a haploid cell-survival assay and a humanized mouse embryonic stem cell line assay of drug response and survival, demonstrate that this nucleotide substitution is functional (Huang H et al. Nature. 2025 Feb;638(8050):528-537; Sahu S et al. Nature. 2025 Feb;638(8050):538-545). This amino acid position is highly conserved in available vertebrate species. In addition, this alteration is predicted to be deleterious by in silico analysis. Based on the available evidence, the clinical significance of this variant remains unclear.

Labcorp Genetics (formerly Invitae), Labcorp
Classification: Uncertain significance for Hereditary breast ovarian cancer syndrome. Last evaluated: 2022-12-05. Review status: criteria provided, single submitter. Criteria: Invitae Variant Classification Sherloc (09022015). Collection method: clinical testing. Allele origin: germline.
Comment: This sequence change replaces phenylalanine, which is neutral and non-polar, with leucine, which is neutral and non-polar, at codon 2841 of the BRCA2 protein (p.Phe2841Leu). This variant is not present in population databases (gnomAD no frequency). This variant has not been reported in the literature in individuals affected with BRCA2-related conditions. Advanced modeling of protein sequence and biophysical properties (such as structural, functional, and spatial information, amino acid conservation, physicochemical variation, residue mobility, and thermodynamic stability) performed at Invitae indicates that this missense variant is not expected to disrupt BRCA2 protein function. In summary, the available evidence is currently insufficient to determine the role of this variant in disease. Therefore, it has been classified as a Variant of Uncertain Significance.

NM_000059.4(BRCA2):c.8521T>C (p.Phe2841Leu)

Gene: BRCA2 (BRCA2 DNA repair associated; plus strand). Cytogenetic location: 13q13.1.
Variant type: single nucleotide variant.
Coding change: c.8521T>C on transcript NM_000059.4 (MANE Select); coding-DNA position 8521, T replaced by C.
Protein change: p.Phe2841Leu; replaces phenylalanine 2841 with leucine.
Molecular consequence: missense variant. On other transcripts: non-coding transcript variant (1).
Genome position (GRCh38, 1-based): chr13:32,370,989, T>C. VCF-style: chr13-32370989-T-C. GRCh37 (hg19) VCF-style: chr13-32945126-T-C.
Other names: c.8425T>C, p.Phe2809Leu (NM_001406719.1); c.8521T>C, p.Phe2841Leu (NM_001406720.1); c.3589T>C, p.Phe1197Leu (NM_001406721.1); c.2104T>C, p.Phe702Leu (NM_001406722.1); short protein forms F2841L, F702L, F1197L, F2809L.
Identifiers: ClinVar variation 2985744 (VCV002985744.4), dbSNP rs2137600017, ClinGen allele CA387752718.